The following is an entry in ClinVar:

NM_004360.5(CDH1):c.1009-18G>T

Gene: CDH1 (cadherin 1; plus strand). Cytogenetic location: 16q22.1.
Variant type: single nucleotide variant.
Coding change: c.1009-18G>T on transcript NM_004360.5 (MANE Select); 18 bases into the intron before coding-DNA position 1009, G replaced by T.
Molecular consequence: intron variant.
Genome position (GRCh38, 1-based): chr16:68,812,117, G>T. VCF-style: chr16-68812117-G-T. GRCh37 (hg19) VCF-style: chr16-68846020-G-T.
Other names: c.-607-18G>T (NM_001317185.2); c.-811-18G>T (NM_001317186.2); c.1009-18G>T (NM_001317184.2).
Identifiers: ClinVar variation 1962952 (VCV001962952.6), dbSNP rs527333493, ClinGen allele CA8129983.

ClinVar aggregate classification (germline): Likely benign. Review status: criteria provided, multiple submitters, no conflicts (2 of 4 stars). 2 submissions from 2 submitters: Likely benign (2). Last evaluated 2024-09-17.

Conditions:
Hereditary diffuse gastric adenocarcinoma (HDGC). Also called: DIFFUSE GASTRIC AND LOBULAR BREAST CANCER SYNDROME. Identifiers: Orphanet 26106, MedGen C1708349, MONDO:0007648, OMIM 137215.

Allele frequency attached by ClinVar (database versions not stated): gnomAD exomes below 0.00001; ExAC 0.00001; gnomAD 0.00001; 1000 Genomes Project 30x 0.00016; 1000 Genomes Project 0.00020.
gnomAD v4.1: 3 of 1,614,056 alleles (0.00019%); highest among the groups gnomAD compares: African/African-American, 0.004%; no homozygotes.

Submissions (2):

Myriad Genetics, Inc.
Classification: Likely benign for Hereditary diffuse gastric adenocarcinoma. Last evaluated: 2024-09-17. Review status: criteria provided, single submitter. Criteria: Myriad Autosomal Dominant, Autosomal Recessive and X-Linked Classification Criteria (2023). Collection method: clinical testing. Allele origin: unknown.
Comment: This variant is considered likely benign. This variant is intronic and is not expected to impact mRNA splicing.

Labcorp Genetics (formerly Invitae), Labcorp
Classification: Likely benign for Hereditary diffuse gastric adenocarcinoma. Last evaluated: 2022-08-18. Review status: criteria provided, single submitter. Criteria: Invitae Variant Classification Sherloc (09022015). Collection method: clinical testing. Allele origin: germline.